The following is an entry in ClinVar:

ClinVar aggregate classification (germline): Likely benign. Review status: criteria provided, multiple submitters, no conflicts (2 of 4 stars). 4 submissions from 4 submitters: Likely benign (3). 1 of the submissions does not count toward it. Last evaluated 2026-01-26.

Conditions:
LAMA5-related disorder. Also called: LAMA5-related condition; LAMA5-Related Disorders.
Inborn genetic diseases. Identifiers: MedGen C0950123, MeSH D030342.

Allele frequency attached by ClinVar (database versions not stated): gnomAD exomes 0.00026 and 0.00074; ExAC 0.00095; ESP Exome Variant Server 0.00232; gnomAD 0.00245 and 0.00256; TOPMed 0.00286; 1000 Genomes Project 30x 0.00406; 1000 Genomes Project 0.00419.
gnomAD v4.1: 783 of 1,600,578 alleles (0.049%); highest among the groups gnomAD compares: African/African-American, 0.81%; 3 homozygotes.

Submissions (4):

Labcorp Genetics (formerly Invitae), Labcorp
Classification: Likely benign. Last evaluated: 2026-01-26. Review status: criteria provided, single submitter. Criteria: Invitae Variant Classification Sherloc (09022015). Collection method: clinical testing. Allele origin: germline.

Ambry Genetics
Classification: Likely benign for Inborn genetic diseases. Last evaluated: 2025-08-04. Review status: criteria provided, single submitter. Criteria: Ambry Variant Classification Scheme 2023. Collection method: clinical testing. Allele origin: germline.

CeGaT Center for Human Genetics Tuebingen
Classification: Likely benign. Last evaluated: 2023-04-01. Review status: criteria provided, single submitter. Criteria: CeGaT Center For Human Genetics Tuebingen Variant Classification Criteria Version 2. Collection method: clinical testing. Allele origin: germline. Affected: yes. Observed: 1 variant allele.
Comment: LAMA5: BP4, BS2

PreventionGenetics, part of Exact Sciences
Classification: Likely benign for LAMA5-related condition. Last evaluated: 2019-07-26. Review status: no assertion criteria provided. Collection method: clinical testing. Allele origin: germline. Not counted in ClinVar's aggregate classification.
Comment: This variant is classified as likely benign based on ACMG/AMP sequence variant interpretation guidelines (Richards et al. 2015 PMID: 25741868, with internal and published modifications).

NM_005560.6(LAMA5):c.1724C>T (p.Ala575Val)

Gene: LAMA5 (laminin subunit alpha 5; minus strand). Cytogenetic location: 20q13.33.
Variant type: single nucleotide variant.
Coding change: c.1724C>T on transcript NM_005560.6 (MANE Select); coding-DNA position 1724, C replaced by T.
Protein change: p.Ala575Val; replaces alanine 575 with valine.
Molecular consequence: missense variant.
Genome position (GRCh38, 1-based): chr20:62,338,264, G>A on the plus strand (C>T on the coding strand, the complement: LAMA5 is on the minus strand). VCF-style: chr20-62338264-G-A. GRCh37 (hg19) VCF-style: chr20-60913320-G-A.
Other names: c.1724C>T (NM_005560.3); short protein forms A575V.
Identifiers: ClinVar variation 731470 (VCV000731470.35), dbSNP rs138514452, ClinGen allele CA9943783.